The following is an entry in ClinVar:

ClinVar aggregate classification (germline): Uncertain significance. Review status: criteria provided, multiple submitters, no conflicts (2 of 4 stars). 2 submissions from 2 submitters: Uncertain significance (2). Last evaluated 2024-07-06.

Conditions:
Cardiovascular phenotype. Identifiers: MedGen CN230736.

gnomAD v4.1: 1 of 1,614,220 alleles (0.000062%); highest among the groups gnomAD compares: East Asian, 0.0022%; no homozygotes.

Submissions (2):

Ambry Genetics
Classification: Uncertain significance for Cardiovascular phenotype. Last evaluated: 2024-07-06. Review status: criteria provided, single submitter. Criteria: Ambry Variant Classification Scheme 2023. Collection method: clinical testing. Allele origin: germline.
Comment: The p.Q145R variant (also known as c.434A>G), located in coding exon 1 of the MYPN gene, results from an A to G substitution at nucleotide position 434. The glutamine at codon 145 is replaced by arginine, an amino acid with highly similar properties. This amino acid position is conserved. In addition, this alteration is predicted to be tolerated by in silico analysis. Based on the available evidence, the clinical significance of this variant remains unclear.

Blueprint Genetics
Classification: Uncertain significance. Last evaluated: 2024-06-26. Review status: criteria provided, single submitter. Criteria: ACMG Guidelines, 2015. Collection method: clinical testing. Allele origin: germline.

NM_032578.4(MYPN):c.434A>G (p.Gln145Arg)

Gene: MYPN (myopalladin; plus strand). Cytogenetic location: 10q21.3.
Variant type: single nucleotide variant.
Coding change: c.434A>G on transcript NM_032578.4 (MANE Select); coding-DNA position 434, A replaced by G.
Protein change: p.Gln145Arg; replaces glutamine 145 with arginine.
Molecular consequence: missense variant. On other transcripts: 5 prime UTR variant (1), non-coding transcript variant (1).
Genome position (GRCh38, 1-based): chr10:68,121,872, A>G. VCF-style: chr10-68121872-A-G. GRCh37 (hg19) VCF-style: chr10-69881629-A-G.
Other names: c.434A>G, p.Gln145Arg (NM_001256267.2); c.-689A>G (NM_001256268.2); short protein forms Q145R.
Identifiers: ClinVar variation 3402021 (VCV003402021.2).